The following is an entry in ClinVar:

NM_000548.5(TSC2):c.5160+6T>G

Gene: TSC2 (TSC complex subunit 2; plus strand). Cytogenetic location: 16p13.3.
Variant type: single nucleotide variant.
Coding change: c.5160+6T>G on transcript NM_000548.5 (MANE Select); 6 bases into the intron after coding-DNA position 5160, T replaced by G.
Molecular consequence: intron variant.
Genome position (GRCh38, 1-based): chr16:2,088,145, T>G. VCF-style: chr16-2088145-T-G. GRCh37 (hg19) VCF-style: chr16-2138146-T-G.
Other names: c.5091+6T>G (NM_001114382.3); c.5031+6T>G (NM_021055.3, NM_001370405.1); c.4962+6T>G (NM_001363528.2); c.5028+6T>G (NM_001370404.1); c.4959+6T>G (NM_001077183.3); c.4851+6T>G (NM_001318827.2); c.4428+6T>G (NM_001318831.2); c.4815+6T>G (NM_001318829.2); and 1 more.
Identifiers: ClinVar variation 1331334 (VCV001331334.6), dbSNP rs1567130441, ClinGen allele CA2573054167.

ClinVar aggregate classification (germline): Uncertain significance. Review status: criteria provided, multiple submitters, no conflicts (2 of 4 stars). 2 submissions from 2 submitters: Uncertain significance (2). Last evaluated 2023-08-17.

Conditions:
Tuberous sclerosis 2 (TSC2). Identifiers: Orphanet 805, MedGen C1860707, MONDO:0013199, OMIM 613254.

Submissions (2):

Labcorp Genetics (formerly Invitae), Labcorp
Classification: Uncertain significance for Tuberous sclerosis 2. Last evaluated: 2023-08-17. Review status: criteria provided, single submitter. Criteria: Invitae Variant Classification Sherloc (09022015). Collection method: clinical testing. Allele origin: germline.
Comment: In summary, the available evidence is currently insufficient to determine the role of this variant in disease. Therefore, it has been classified as a Variant of Uncertain Significance. Variants that disrupt the consensus splice site are a relatively common cause of aberrant splicing (PMID: 17576681, 9536098). Algorithms developed to predict the effect of sequence changes on RNA splicing suggest that this variant may disrupt the consensus splice site. ClinVar contains an entry for this variant (Variation ID: 1331334). This variant has not been reported in the literature in individuals affected with TSC2-related conditions. This variant is not present in population databases (gnomAD no frequency). This sequence change falls in intron 40 of the TSC2 gene. It does not directly change the encoded amino acid sequence of the TSC2 protein. It affects a nucleotide within the consensus splice site.

GeneDx
Classification: Uncertain significance. Last evaluated: 2021-06-29. Review status: criteria provided, single submitter. Criteria: GeneDx Variant Classification Process June 2021. Collection method: clinical testing. Allele origin: germline. Affected: yes.
Comment: Not observed at significant frequency in large population cohorts (Lek et al., 2016); Has not been previously published as pathogenic or benign to our knowledge; In-silico analysis, which includes splice predictors and evolutionary conservation, is inconclusive as to whether the variant alters gene splicing. In the absence of RNA/functional studies, the actual effect of this sequence change is unknown.; This variant is associated with the following publications: (PMID: 27535533)

Literature cited by the submitters: PubMed 17576681 (cited by Labcorp Genetics (formerly Invitae), Labcorp); PubMed 9536098 (cited by Labcorp Genetics (formerly Invitae), Labcorp).